The following is an entry in ClinVar:

ClinVar aggregate classification (germline): Pathogenic (1 of 4 stars; one submission).

Conditions:
Hereditary cancer-predisposing syndrome. Also called: Neoplastic Syndromes, Hereditary; Tumor predisposition; Hereditary Cancer Syndrome; Hereditary neoplastic syndrome. Identifiers: Orphanet 140162, MedGen C0027672, MeSH D009386, MONDO:0015356.

Submission:

Ambry Genetics
Classification: Pathogenic for Hereditary cancer-predisposing syndrome. Last evaluated: 2018-07-06. Review status: criteria provided, single submitter. Criteria: Ambry Variant Classification Scheme 2023. Collection method: clinical testing. Allele origin: germline.
Comment: The c.2928delA pathogenic mutation, located in coding exon 19 of the RAD50 gene, results from a deletion of one nucleotide at nucleotide position 2928, causing a translational frameshift with a predicted alternate stop codon (p.E977Kfs*7). This alteration is expected to result in loss of function by premature protein truncation or nonsense-mediated mRNA decay. As such, this alteration is interpreted as a disease-causing mutation.

NM_005732.4(RAD50):c.2928del (p.Glu977fs)

Gene: RAD50 (RAD50 double strand break repair protein; plus strand). Cytogenetic location: 5q31.1.
Variant type: Deletion.
Coding change: c.2928del on transcript NM_005732.4 (MANE Select); coding-DNA position 2928, one base deleted (A; older notation c.2928delA).
Protein change: p.Glu977fs; shifts the reading frame from glutamic acid 977.
Molecular consequence: frameshift variant.
Genome position (GRCh38, 1-based): chr5:132,609,288, A deleted; the last of 5 consecutive A bases (chr5:132,609,284-132,609,288); deleting any one gives the same sequence. VCF-style (leftmost placement, unchanged base first): chr5-132609283-CA-C. GRCh37 (hg19) VCF-style: chr5-131944975-CA-C.
Other names: short protein forms E977fs.
Identifiers: ClinVar variation 1797766 (VCV001797766.2), dbSNP rs2479371494, ClinGen allele CA2580072710.
Genomic context (GRCh38, chr5:132,609,283, plus strand): 5'-TAAAATTATTTATTTGATTGTATTTTTATTCATGTGCTTAAAGAATTTTCTTTTTTGTAG[CA>C]AAAAGAAACTGAACTTAATAAAGTAATAGCTCAACTAAGTGAATGCGAGAAACACAAAGA-3'